The following is an entry in ClinVar:

NM_001374736.1(DST):c.18917T>C (p.Met6306Thr)

Gene: DST (dystonin; minus strand). Cytogenetic location: 6p12.1.
Variant type: single nucleotide variant.
Coding change: c.18917T>C on transcript NM_001374736.1 (MANE Select); coding-DNA position 18917, T replaced by C.
Protein change: p.Met6306Thr; replaces methionine 6306 with threonine.
Molecular consequence: missense variant.
Genome position (GRCh38, 1-based): chr6:56,509,737, A>G on the plus strand (T>C on the coding strand, the complement: DST is on the minus strand). VCF-style: chr6-56509737-A-G. GRCh37 (hg19) VCF-style: chr6-56374535-A-G.
Other names: c.12560T>C, p.Met4187Thr (NM_001144769.5); c.12146T>C, p.Met4049Thr (NM_001144770.2); c.18917T>C, p.Met6306Thr (NM_001374722.1); c.17957T>C, p.Met5986Thr (NM_001374729.1); c.11699T>C, p.Met3900Thr (NM_001374730.1); c.18944T>C, p.Met6315Thr (NM_001374734.1); c.12026T>C, p.Met4009Thr (NM_001386100.1, NM_183380.4); c.11048T>C, p.Met3683Thr (NM_015548.5); short protein forms M3683T, M3900T, M4009T, M4049T, M4187T, M5986T, M6306T, M6315T.
Identifiers: ClinVar variation 1000845 (VCV001000845.12), dbSNP rs771484088, ClinGen allele CA3867122.

ClinVar aggregate classification (germline): Uncertain significance (1 of 4 stars; one submission).

Conditions:
Epidermolysis bullosa simplex 3, localized or generalized intermediate, with BP230 deficiency (EBS3). Also called: Epidermolysis bullosa simplex, autosomal recessive 2; Epidermolysis bullosa simplex due to BP230 deficiency. Identifiers: Orphanet 412181, MedGen C3809470, MONDO:0014180, OMIM 615425.
Hereditary sensory and autonomic neuropathy type 6. Also called: HSAN VI; Neuropathy, hereditary sensory and autonomic, type VI. Identifiers: Orphanet 314381, MedGen C3539003, MONDO:0013839, OMIM 614653.

Allele frequency attached by ClinVar (database versions not stated): gnomAD exomes below 0.00001; ExAC 0.00001; TOPMed 0.00001; gnomAD 0.00002.
gnomAD v4.1: 13 of 1,613,510 alleles (0.00081%); highest among the groups gnomAD compares: Non-Finnish European, 0.001%; no homozygotes.

Submission:

Labcorp Genetics (formerly Invitae), Labcorp
Classification: Uncertain significance for Epidermolysis bullosa simplex 3, localized or generalized intermediate, with BP230 deficiency; Hereditary sensory and autonomic neuropathy type 6. Last evaluated: 2022-03-16. Review status: criteria provided, single submitter. Criteria: Invitae Variant Classification Sherloc (09022015). Collection method: clinical testing. Allele origin: germline.
Comment: In summary, the available evidence is currently insufficient to determine the role of this variant in disease. Therefore, it has been classified as a Variant of Uncertain Significance. Experimental studies and prediction algorithms are not available or were not evaluated, and the functional significance of this variant is currently unknown. This variant has not been reported in the literature in individuals affected with DST-related conditions. This variant is present in population databases (rs771484088, gnomAD 0.0009%). This sequence change replaces methionine, which is neutral and non-polar, with threonine, which is neutral and polar, at codon 3683 of the DST protein (p.Met3683Thr). The DST gene has multiple clinically relevant transcripts. This variant occurs in alternate transcript NM_015548.4, and corresponds to NM_001723.5:c.*105780T>C in the primary transcript.